The following is an entry in ClinVar:

NM_001999.4(FBN2):c.7862A>G (p.Asn2621Ser)

Gene: FBN2 (fibrillin 2; minus strand). Cytogenetic location: 5q23.3.
Variant type: single nucleotide variant.
Coding change: c.7862A>G on transcript NM_001999.4 (MANE Select); coding-DNA position 7862, A replaced by G.
Protein change: p.Asn2621Ser; replaces asparagine 2621 with serine.
Molecular consequence: missense variant.
Genome position (GRCh38, 1-based): chr5:128,272,097, T>C on the plus strand (A>G on the coding strand, the complement: FBN2 is on the minus strand). VCF-style: chr5-128272097-T-C. GRCh37 (hg19) VCF-style: chr5-127607789-T-C.
Other names: short protein forms N2621S.
Identifiers: ClinVar variation 3718185 (VCV003718185.3).
Genomic context (GRCh38, chr5:128,272,097, plus strand): 5'-TGGGGGCAGCCACATCTGTAGCCACCCAGGATGTTCTGGCAGCCGTGTTGGCACCTGTGG[T>C]TCCCATCACATTCATCAACATCTGCAAAAACAAGCCCGGCAAAACCTTTATGTCACCTTT-3'
Protein context (NP_001990.2, residues 2611-2631): NCEDVDECDG[Asn2621Ser]HRCQHGCQNI

ClinVar aggregate classification (germline): Uncertain significance. Review status: criteria provided, multiple submitters, no conflicts (2 of 4 stars). 2 submissions from 2 submitters: Uncertain significance (2). Last evaluated 2024-09-25.

Conditions:
Congenital contractural arachnodactyly (CCA). Also called: BEALS SYNDROME; Arthrogryposis, distal, type 9; Beals-Hecht syndrome. Identifiers: Orphanet 115, MedGen C0220668, MONDO:0007363, OMIM 121050.

gnomAD v4.1: 4 of 1,613,858 alleles (0.00025%); highest among the groups gnomAD compares: Non-Finnish European, 0.00034%; no homozygotes.

Submissions (2):

Blueprint Genetics
Classification: Uncertain significance. Last evaluated: 2024-09-25. Review status: criteria provided, single submitter. Criteria: ACMG Guidelines, 2015. Collection method: clinical testing. Allele origin: germline.

Labcorp Genetics (formerly Invitae), Labcorp
Classification: Uncertain significance for Congenital contractural arachnodactyly. Last evaluated: 2024-02-26. Review status: criteria provided, single submitter. Criteria: Invitae Variant Classification Sherloc (09022015). Collection method: clinical testing. Allele origin: germline.
Comment: This sequence change replaces asparagine, which is neutral and polar, with serine, which is neutral and polar, at codon 2621 of the FBN2 protein (p.Asn2621Ser). This variant is not present in population databases (gnomAD no frequency). This variant has not been reported in the literature in individuals affected with FBN2-related conditions. Advanced modeling of protein sequence and biophysical properties (such as structural, functional, and spatial information, amino acid conservation, physicochemical variation, residue mobility, and thermodynamic stability) performed at Invitae indicates that this missense variant is not expected to disrupt FBN2 protein function with a negative predictive value of 80%. In summary, the available evidence is currently insufficient to determine the role of this variant in disease. Therefore, it has been classified as a Variant of Uncertain Significance.